The following is an entry in ClinVar:

ClinVar aggregate classification (germline): Likely benign (1 of 4 stars; one submission).

Conditions:
NUP210-related disorder. Also called: NUP210-related condition.

gnomAD v4.1: 106 of 1,609,064 alleles (0.0066%); highest among the groups gnomAD compares: Admixed American, 0.1%; no homozygotes.

Submission:

PreventionGenetics, part of Exact Sciences
Classification: Likely benign for NUP210-related condition. Last evaluated: 2026-05-28. Review status: criteria provided, single submitter. Criteria: ACMG Guidelines, 2015. Collection method: clinical testing. Allele origin: germline.
Comment: This variant is classified as likely benign based on ACMG/AMP sequence variant interpretation guidelines (Richards et al. 2015 PMID: 25741868, with internal and published modifications).

NM_024923.4(NUP210):c.183G>A (p.Pro61=)

Gene: NUP210 (nucleoporin 210; minus strand). Cytogenetic location: 3p25.1.
Variant type: single nucleotide variant.
Coding change: c.183G>A on transcript NM_024923.4 (MANE Select); coding-DNA position 183, G replaced by A.
Protein change: p.Pro61=; no amino-acid change (proline 61 retained).
Molecular consequence: synonymous variant.
Genome position (GRCh38, 1-based): chr3:13,399,846, C>T on the plus strand (G>A on the coding strand, the complement: NUP210 is on the minus strand). VCF-style: chr3-13399846-C-T. GRCh37 (hg19) VCF-style: chr3-13441346-C-T.
Identifiers: ClinVar variation 4980280 (VCV004980280.1).
Genomic context (GRCh38, chr3:13,399,846, plus strand): 5'-CACTGCCTTCTGGGAGCACTGCTGCTCGTCCAGGCCCAGCGGCTCGATGCTGGCCACCTC[C>T]GGCCGGGTGGACAACCTGCAGTGGAAGAAGACAGCATTTACTCTCTGGAGCTGCACTGCA-3'
Protein context (NP_079199.2, residues 51-71): EGCYRWLSTR[Pro61=]EVASIEPLGL